The following is an entry in ClinVar:

ClinVar aggregate classification (germline): Pathogenic (1 of 4 stars; one submission).

Submission:

Labcorp Genetics (formerly Invitae), Labcorp
Classification: Pathogenic. Last evaluated: 2019-09-10. Review status: criteria provided, single submitter. Criteria: Invitae Variant Classification Sherloc (09022015). Collection method: clinical testing. Allele origin: germline.
Comment: For these reasons, this variant has been classified as Pathogenic. Loss-of-function variants in ALDH3A2 are known to be pathogenic (PMID: 10577908, 10854114). This variant has not been reported in the literature in individuals with ALDH3A2-related conditions. This variant is an out-of-frame deletion of the genomic region encompassing exon 7 of the ALDH3A2 gene. This is expected to create a premature translational stop signal and result in an absent or disrupted protein product.

Literature cited by the submitters: PubMed 10577908; PubMed 10854114.

NC_000017.11:g.(?_19663323)_(19663509_?)del

Gene: ALDH3A2 (aldehyde dehydrogenase 3 family member A2; plus strand). Cytogenetic location: 17p11.2.
Variant type: Deletion.
Identifiers: ClinVar variation 831853 (VCV000831853.3).